The following is an entry in ClinVar:

NM_025137.4(SPG11):c.5074G>A (p.Val1692Ile)

Gene: SPG11 (SPG11 vesicle trafficking associated, spatacsin; minus strand). Cytogenetic location: 15q21.1.
Variant type: single nucleotide variant.
Coding change: c.5074G>A on transcript NM_025137.4 (MANE Select); coding-DNA position 5074, G replaced by A.
Protein change: p.Val1692Ile; replaces valine 1692 with isoleucine.
Molecular consequence: missense variant.
Genome position (GRCh38, 1-based): chr15:44,585,683, C>T on the plus strand (G>A on the coding strand, the complement: SPG11 is on the minus strand). VCF-style: chr15-44585683-C-T. GRCh37 (hg19) VCF-style: chr15-44877881-C-T.
Other names: c.5074G>A, p.Val1692Ile (NM_001160227.2); short protein forms V1692I.
Identifiers: ClinVar variation 534880 (VCV000534880.8), dbSNP rs764497276, ClinGen allele CA7534505.
Genomic context (GRCh38, chr15:44,585,683, plus strand): 5'-AGACCGATGATACCTCTTTAATAACCAAGTTGTCCACAGGTAACTCAGCTAATTCTGCTA[C>T]CCTCCTGGCCAAAGCGAATTGTCCATCTGTCTGCAGTCTTTCCAAAATAGATCTACATTC-3'
Protein context (NP_079413.3, residues 1682-1702): TDGQFALARR[Val1692Ile]AELAELPVDN

ClinVar aggregate classification (germline): Uncertain significance. Review status: criteria provided, multiple submitters, no conflicts (2 of 4 stars). 4 submissions from 4 submitters: Uncertain significance (3). 1 of the submissions does not count toward it. Last evaluated 2024-10-24.

Conditions:
Hereditary spastic paraplegia 11. Also called: SPASTIC PARAPLEGIA, AUTOSOMAL RECESSIVE, COMPLICATED, WITH THIN CORPUS CALLOSUM; SPASTIC PARAPLEGIA, AUTOSOMAL RECESSIVE, WITH MENTAL IMPAIRMENT AND THIN CORPUS CALLOSUM; Spastic Paraplegia 11; Nakamura Osame syndrome; Autosomal recessive hereditary spastic paraplegia, mental impairment, and thin corpus callosum; Spastic paraplegia, mental retardation and thin corpus callosum. Identifiers: Orphanet 2822, MedGen C1858479, MONDO:0011445, OMIM 604360.
SPG11-related disorder. Also called: SPG11-related condition.

Allele frequency attached by ClinVar (database versions not stated): ExAC 0.00002; gnomAD exomes 0.00002; TOPMed 0.00001.
gnomAD v4.1: 13 of 1,613,450 alleles (0.00081%); highest among the groups gnomAD compares: Middle Eastern, 0.017%; no homozygotes.

Submissions (4):

Blueprint Genetics
Classification: Uncertain significance. Last evaluated: 2024-10-24. Review status: criteria provided, single submitter. Criteria: ACMG Guidelines, 2015. Collection method: clinical testing. Allele origin: germline.

GeneDx
Classification: Uncertain significance. Last evaluated: 2023-12-08. Review status: criteria provided, single submitter. Criteria: GeneDx Variant Classification Process June 2021. Collection method: clinical testing. Allele origin: germline. Affected: yes.
Comment: Not observed at significant frequency in large population cohorts (gnomAD); In silico analysis supports that this missense variant does not alter protein structure/function; Observed in patient with clinical diagnosis of blindness; however, no additional information was provided (PMID: 32483926); This variant is associated with the following publications: (PMID: 32483926)

Labcorp Genetics (formerly Invitae), Labcorp
Classification: Uncertain significance for Hereditary spastic paraplegia 11. Last evaluated: 2022-09-14. Review status: criteria provided, single submitter. Criteria: Invitae Variant Classification Sherloc (09022015). Collection method: clinical testing. Allele origin: germline.
Comment: This sequence change replaces valine, which is neutral and non-polar, with isoleucine, which is neutral and non-polar, at codon 1692 of the SPG11 protein (p.Val1692Ile). This variant is present in population databases (rs764497276, gnomAD 0.003%). This variant has not been reported in the literature in individuals affected with SPG11-related conditions. ClinVar contains an entry for this variant (Variation ID: 534880). Advanced modeling of protein sequence and biophysical properties (such as structural, functional, and spatial information, amino acid conservation, physicochemical variation, residue mobility, and thermodynamic stability) performed at Invitae indicates that this missense variant is expected to disrupt SPG11 protein function. In summary, the available evidence is currently insufficient to determine the role of this variant in disease. Therefore, it has been classified as a Variant of Uncertain Significance.

PreventionGenetics, part of Exact Sciences
Classification: Uncertain significance for SPG11-related condition. Last evaluated: 2024-06-08. Review status: no assertion criteria provided. Collection method: clinical testing. Allele origin: germline. Not counted in ClinVar's aggregate classification.
Comment: The SPG11 c.5074G>A variant is predicted to result in the amino acid substitution p.Val1692Ile. This variant was reported in an individual with retinal or optic nerve disease; however, no additional information was provided to support pathogenicity (supplementary data, Diñeiro et al 2020. PubMed ID: 32483926). This variant is reported in 0.0035% of alleles in individuals of European (Non-Finnish) descent in gnomAD. At this time, the clinical significance of this variant is uncertain due to the absence of conclusive functional and genetic evidence.